The following is an entry in ClinVar:

NM_001292063.2(OTOG):c.7935+11G>A

Gene: OTOG (otogelin; plus strand). Cytogenetic location: 11p15.1.
Variant type: single nucleotide variant.
Coding change: c.7935+11G>A on transcript NM_001292063.2 (MANE Select); 11 bases into the intron after coding-DNA position 7935, G replaced by A.
Molecular consequence: intron variant.
Genome position (GRCh38, 1-based): chr11:17,639,474, G>A. VCF-style: chr11-17639474-G-A. GRCh37 (hg19) VCF-style: chr11-17661021-G-A.
Other names: c.7971+11G>A (NM_001277269.2).
Identifiers: ClinVar variation 226913 (VCV000226913.17), dbSNP rs188456860, ClinGen allele CA5906197.
Genomic context (GRCh38, chr11:17,639,474, plus strand): 5'-GTTTTTCAGAATGTGACTGTGACACAATCCCGGTGCCCCGGTGCCATCTGGTATGGAGAC[G>A]CTCCTCCCCCAACACTCCCTGGTCTGCTCCCCTTTCCTTTCCTCTCTATCCCCTCCTCTA-3'

ClinVar aggregate classification (germline): Benign/Likely benign. Review status: criteria provided, multiple submitters, no conflicts (2 of 4 stars). 5 submissions from 5 submitters: Benign (2); Likely benign (3). Last evaluated 2025-12-08.

Allele frequency attached by ClinVar (database versions not stated): 1000 Genomes Project 30x 0.00843; ExAC 0.01173; gnomAD 0.00050 and 0.00147; TOPMed 0.00114; gnomAD exomes 0.00495; 1000 Genomes Project 0.00679.
gnomAD v4.1: 2,998 of 1,550,432 alleles (0.19%); highest among the groups gnomAD compares: South Asian, 2.6%; 59 homozygotes.

Submissions (5):

Labcorp Genetics (formerly Invitae), Labcorp
Classification: Benign. Last evaluated: 2025-12-08. Review status: criteria provided, single submitter. Criteria: Invitae Variant Classification Sherloc (09022015). Collection method: clinical testing. Allele origin: germline.

Blueprint Genetics
Classification: Likely benign. Last evaluated: 2024-11-25. Review status: criteria provided, single submitter. Criteria: ACMG Guidelines, 2015. Collection method: clinical testing. Allele origin: germline.

GeneDx
Classification: Likely benign. Last evaluated: 2018-08-15. Review status: criteria provided, single submitter. Criteria: GeneDx Variant Classification Process June 2021. Collection method: clinical testing. Allele origin: germline. Affected: yes.

Laboratory for Molecular Medicine, Mass General Brigham Personalized Medicine
Classification: Benign. Last evaluated: 2015-05-03. Review status: criteria provided, single submitter. Criteria: LMM Criteria. Collection method: clinical testing. Allele origin: germline. Observed: 5 variant alleles.
Comment: 7971+11G>A in intron 48 of OTOG: This variant is not expected to have clinical s ignificance because it is not located within the conserved splice consensus sequ ence, and it has been identified in 2.3% (181/7664) of South Asian chromosomes i ncluding 2 homozygotes by the Exome Aggregation Consortium (ExAC ; dbSNP rs188456860).

Breakthrough Genomics
Classification: Likely benign. Review status: criteria provided, single submitter. Criteria: ACMG Guidelines, 2015. Collection method: not provided. Allele origin: germline. Inheritance: Autosomal recessive inheritance. Affected: yes.